The following is an entry in ClinVar:

ClinVar aggregate classification (germline): Likely benign. Review status: criteria provided, multiple submitters, no conflicts (2 of 4 stars). 3 submissions from 3 submitters: Likely benign (3). Last evaluated 2025-08-01.

Conditions:
Primary immunodeficiency with post-measles-mumps-rubella vaccine viral infection. Also called: Immunodeficiency 44. Identifiers: Orphanet 431166, MedGen C4225260, MONDO:0014715, OMIM 616636.

Allele frequency attached by ClinVar (database versions not stated): gnomAD 0.00001; gnomAD exomes 0.00001; TOPMed 0.00001; ExAC 0.00002.
gnomAD v4.1: 16 of 1,614,042 alleles (0.00099%); highest among the groups gnomAD compares: Non-Finnish European, 0.0013%; no homozygotes.

Submissions (3):

CeGaT Center for Human Genetics Tuebingen
Classification: Likely benign. Last evaluated: 2025-08-01. Review status: criteria provided, single submitter. Criteria: CeGaT Center For Human Genetics Tuebingen Variant Classification Criteria Version 2. Collection method: clinical testing. Allele origin: germline. Affected: yes. Observed: 1 variant allele.
Comment: STAT2: BP4, BP7

Women's Health and Genetics/Laboratory Corporation of America, LabCorp
Classification: Likely benign. Last evaluated: 2024-12-23. Review status: criteria provided, single submitter. Criteria: LabCorp Variant Classification Summary - May 2015. Collection method: clinical testing. Allele origin: germline.

Labcorp Genetics (formerly Invitae), Labcorp
Classification: Likely benign for Primary immunodeficiency with post-measles-mumps-rubella vaccine viral infection. Last evaluated: 2024-11-18. Review status: criteria provided, single submitter. Criteria: Invitae Variant Classification Sherloc (09022015). Collection method: clinical testing. Allele origin: germline.

NM_005419.4(STAT2):c.1647C>A (p.Gly549=)

Gene: STAT2 (signal transducer and activator of transcription 2; minus strand). Cytogenetic location: 12q13.3.
Variant type: single nucleotide variant.
Coding change: c.1647C>A on transcript NM_005419.4 (MANE Select); coding-DNA position 1647, C replaced by A.
Protein change: p.Gly549=; no amino-acid change (glycine 549 retained).
Molecular consequence: synonymous variant.
Genome position (GRCh38, 1-based): chr12:56,348,606, G>T on the plus strand (C>A on the coding strand, the complement: STAT2 is on the minus strand). VCF-style: chr12-56348606-G-T. GRCh37 (hg19) VCF-style: chr12-56742390-G-T.
Other names: c.1647C>A, p.Gly549= (NM_001385113.1); c.1626C>A, p.Gly542= (NM_001385114.1); c.1605C>A, p.Gly535= (NM_001385115.1); c.1635C>A, p.Gly545= (NM_198332.2); c.1614C>A, p.Gly538= (NM_001385110.1); c.1548C>A, p.Gly516= (NM_001385111.1).
Identifiers: ClinVar variation 3008650 (VCV003008650.12), dbSNP rs745450351, ClinGen allele CA6630439.
Genomic context (GRCh38, chr12:56,348,606, plus strand): 5'-CTTCAGGTGGTCATGTACCAACTCCAGAATTTTGTCCAGCCATGTCCAGAATGGTAACTT[G>T]CCAGGAGGGCTCTCTCGCTGGAGGAGGAATGGAAAGGTAGCAAAAGCTGAGGAGTTGCCT-3'
Protein context (NP_005410.1, residues 539-559): ADFTKRESPP[Gly549=]KLPFWTWLDK